The following is an entry in ClinVar:

NM_024675.4(PALB2):c.860T>C (p.Val287Ala)

Gene: PALB2 (partner and localizer of BRCA2; minus strand). Cytogenetic location: 16p12.2.
Variant type: single nucleotide variant.
Coding change: c.860T>C on transcript NM_024675.4 (MANE Select); coding-DNA position 860, T replaced by C.
Protein change: p.Val287Ala; replaces valine 287 with alanine.
Molecular consequence: missense variant.
Genome position (GRCh38, 1-based): chr16:23,635,686, A>G on the plus strand (T>C on the coding strand, the complement: PALB2 is on the minus strand). VCF-style: chr16-23635686-A-G. GRCh37 (hg19) VCF-style: chr16-23647007-A-G.
Other names: short protein forms V287A.
Identifiers: ClinVar variation 461027 (VCV000461027.15), dbSNP rs1555461576, ClinGen allele CA395135830.

ClinVar aggregate classification (germline): Uncertain significance. Review status: criteria provided, multiple submitters, no conflicts (2 of 4 stars). 3 submissions from 3 submitters: Uncertain significance (3). Last evaluated 2024-09-29.

Conditions:
Hereditary cancer-predisposing syndrome. Also called: Neoplastic Syndromes, Hereditary; Hereditary Cancer Syndrome; Hereditary neoplastic syndrome; Tumor predisposition. Identifiers: Orphanet 140162, MedGen C0027672, MeSH D009386, MONDO:0015356.
Familial cancer of breast. Also called: BREAST CANCER, FAMILIAL; Hereditary breast cancer; hereditary breast carcinoma. Identifiers: Orphanet 227535, MedGen C0346153, MONDO:0016419, OMIM 114480. Disease mechanism: loss of function.

Allele frequency attached by ClinVar (database versions not stated): gnomAD 0.00001; TOPMed 0.00001.

Submissions (3):

Labcorp Genetics (formerly Invitae), Labcorp
Classification: Uncertain significance for Familial cancer of breast. Last evaluated: 2024-09-29. Review status: criteria provided, single submitter. Criteria: Invitae Variant Classification Sherloc (09022015). Collection method: clinical testing. Allele origin: germline.
Comment: This sequence change replaces valine, which is neutral and non-polar, with alanine, which is neutral and non-polar, at codon 287 of the PALB2 protein (p.Val287Ala). This variant is not present in population databases (gnomAD no frequency). This variant has not been reported in the literature in individuals affected with PALB2-related conditions. ClinVar contains an entry for this variant (Variation ID: 461027). An algorithm developed to predict the effect of missense changes on protein structure and function outputs the following: PolyPhen-2: "Benign". The alanine amino acid residue is found in multiple mammalian species, which suggests that this missense change does not adversely affect protein function. In summary, the available evidence is currently insufficient to determine the role of this variant in disease. Therefore, it has been classified as a Variant of Uncertain Significance.

Ambry Genetics
Classification: Uncertain significance for Hereditary cancer-predisposing syndrome. Last evaluated: 2023-10-01. Review status: criteria provided, single submitter. Criteria: Ambry Variant Classification Scheme 2023. Collection method: clinical testing. Allele origin: germline.
Comment: The p.V287A variant (also known as c.860T>C), located in coding exon 4 of the PALB2 gene, results from a T to C substitution at nucleotide position 860. The valine at codon 287 is replaced by alanine, an amino acid with similar properties. This amino acid position is not well conserved in available vertebrate species. In addition, this alteration is predicted to be tolerated by in silico analysis. Since supporting evidence is limited at this time, the clinical significance of this alteration remains unclear.

Color Diagnostics, LLC DBA Color Health
Classification: Uncertain significance for Hereditary cancer-predisposing syndrome. Last evaluated: 2021-04-21. Review status: criteria provided, single submitter. Criteria: ACMG Guidelines, 2015. Collection method: clinical testing. Allele origin: germline.
Comment: This missense variant replaces valine with alanine at codon 287 of the PALB2 protein. Computational prediction suggests that this variant may not impact protein structure and function (internally defined REVEL score threshold <= 0.5, PMID: 27666373). To our knowledge, functional studies have not been reported for this variant. This variant has not been reported in individuals affected with hereditary cancer in the literature. This variant has not been identified in the general population by the Genome Aggregation Database (gnomAD). The available evidence is insufficient to determine the role of this variant in disease conclusively. Therefore, this variant is classified as a Variant of Uncertain Significance.